The following is an entry in ClinVar:

NM_181840.1(KCNK18):c.223+4G>C

Gene: KCNK18 (potassium two pore domain channel subfamily K member 18; plus strand). Cytogenetic location: 10q25.3.
Variant type: single nucleotide variant.
Coding change: c.223+4G>C on transcript NM_181840.1 (MANE Select); 4 bases into the intron after coding-DNA position 223, G replaced by C.
Molecular consequence: intron variant.
Genome position (GRCh38, 1-based): chr10:117,197,715, G>C. VCF-style: chr10-117197715-G-C. GRCh37 (hg19) VCF-style: chr10-118957226-G-C.
Identifiers: ClinVar variation 2054857 (VCV002054857.1), dbSNP rs201128727, ClinGen allele CA5709894.

ClinVar aggregate classification (germline): Uncertain significance (1 of 4 stars; one submission).

Allele frequency attached by ClinVar (database versions not stated): TOPMed 0.00006; gnomAD 0.00010; ExAC 0.00016; 1000 Genomes Project 30x 0.00047; 1000 Genomes Project 0.00060.
gnomAD v4.1: 108 of 1,613,380 alleles (0.0067%); highest among the groups gnomAD compares: East Asian, 0.14%; no homozygotes.

Submission:

Labcorp Genetics (formerly Invitae), Labcorp
Classification: Uncertain significance. Last evaluated: 2022-10-13. Review status: criteria provided, single submitter. Criteria: Invitae Variant Classification Sherloc (09022015). Collection method: clinical testing. Allele origin: germline.
Comment: This sequence change falls in intron 1 of the KCNK18 gene. It does not directly change the encoded amino acid sequence of the KCNK18 protein. It affects a nucleotide within the consensus splice site. This variant is present in population databases (rs201128727, gnomAD 0.1%), and has an allele count higher than expected for a pathogenic variant. This variant has not been reported in the literature in individuals affected with KCNK18-related conditions. Variants that disrupt the consensus splice site are a relatively common cause of aberrant splicing (PMID: 17576681, 9536098). Algorithms developed to predict the effect of sequence changes on RNA splicing suggest that this variant is not likely to affect RNA splicing. In summary, the available evidence is currently insufficient to determine the role of this variant in disease. Therefore, it has been classified as a Variant of Uncertain Significance.

Literature cited by the submitters: PubMed 17576681; PubMed 9536098.